The following continues an entry in ClinVar:

NM_000218.3(KCNQ1):c.590C>T (p.Pro197Leu)

Gene: KCNQ1. ClinVar aggregate classification (germline): Uncertain significance. Uncertain significance (1).

Submissions 10 to 15 of 15:

GeneDx
Classification: Uncertain significance. Last evaluated: 2022-10-03. Review status: criteria provided, single submitter. Criteria: GeneDx Variant Classification Process June 2021. Collection method: clinical testing. Allele origin: germline. Affected: yes. Not counted in ClinVar's aggregate classification.
Comment: Reported in a study examining the cost-effectiveness of genetic testing in inherited heart disease, although clinical information was not provided (Sabater-Molina et al., 2013); In silico analysis supports that this missense variant has a deleterious effect on protein structure/function; This variant is associated with the following publications: (PMID: 31518351, 27153395, 29197658, 30571187, 34426522, 29532034, 32048431)

Fulgent Genetics
Classification: Uncertain significance for Beckwith-Wiedemann syndrome; Long QT syndrome 1; Jervell and Lange-Nielsen syndrome 1; Atrial fibrillation, familial, 3; Short QT syndrome type 2. Last evaluated: 2021-08-13. Review status: criteria provided, single submitter. Criteria: ACMG Guidelines, 2015. Collection method: clinical testing. Allele origin: unknown. Not counted in ClinVar's aggregate classification.

ARUP Laboratories, Molecular Genetics and Genomics, ARUP Laboratories
Classification: Uncertain significance. Last evaluated: 2017-05-05. Review status: criteria provided, single submitter. Criteria: ARUP Molecular Germline Variant Investigation Process. Collection method: clinical testing. Allele origin: germline. Not counted in ClinVar's aggregate classification.
Comment: The p.Pro197Leu variant (rs200108320) has been previously identified in several cohorts of cardiomyopathy patients (Ng 2013, Sabater-Molina 2013, Maxwell 2016); however, no additional clinical details or segregation data were provided. This variant is also listed in the ClinVar database as a variant of uncertain significance (Variation ID: 191476). It is listed in the Genome Aggregation Database (gnomAD) browser with a frequency in non-Finnish European populations of 0.011% (identified in 12 out of 111,358 chromosomes). The proline at codon 197 is highly conserved considering 8 species up to Ciona intestinalis (Alamut software v2.9), and computational analyses suggest this variant has a significant effect on KCNQ1 protein structure/function (SIFT: damaging, PolyPhen2: probably damaging, and Mutation Taster: disease causing). However, based on the available information, the clinical significance of the p.Pro197Leu variant cannot be determined with certainty.

Biesecker Lab/Clinical Genomics Section, National Institutes of Health
Classification: Uncertain significance. Last evaluated: 2013-06-24. Review status: criteria provided, single submitter. Criteria: Ng et al. (Circ Cardiovasc Genet. 2013). Collection method: research. Allele origin: unknown. Observed: 1 variant allele. Study: ClinSeq. Not counted in ClinVar's aggregate classification.
Comment: The study set was not selected for affection status in relation to any cancer. Pathogenicity categories were based on literature curation. See Pubmed ID:23861362 for details.

Medical sequencing

Clinical Genetics, Academic Medical Center
Classification: Uncertain significance. Review status: no assertion criteria provided. Collection method: clinical testing. Allele origin: germline. Affected: yes. Study: VKGL Data-share Consensus. Not counted in ClinVar's aggregate classification.

Genome Diagnostics Laboratory, University Medical Center Utrecht
Classification: Uncertain significance. Review status: no assertion criteria provided. Collection method: clinical testing. Allele origin: germline. Affected: yes. Study: VKGL Data-share Consensus. Not counted in ClinVar's aggregate classification.

Literature cited by the submitters: PubMed 29532034 (cited by 3 submitters); PubMed 30571187 (cited by 3 submitters); PubMed 36339618 (cited by Color Diagnostics, LLC DBA Color Health).